The following is an entry in ClinVar:

NM_001330078.2(NRXN1):c.3718+6C>G

Gene: NRXN1 (neurexin 1; minus strand). Cytogenetic location: 2p16.3.
Variant type: single nucleotide variant.
Coding change: c.3718+6C>G on transcript NM_001330078.2 (MANE Select); 6 bases into the intron after coding-DNA position 3718, C replaced by G.
Molecular consequence: intron variant.
Genome position (GRCh38, 1-based): chr2:50,091,317, G>C on the plus strand (C>G on the coding strand, the complement: NRXN1 is on the minus strand). VCF-style: chr2-50091317-G-C. GRCh37 (hg19) VCF-style: chr2-50318455-G-C.
Other names: c.3607+6C>G (NM_001330087.2, NM_001330096.2); c.3652+6C>G (NM_001330083.2, NM_001330084.2); c.3637+6C>G (NM_001330088.2); c.3715+6C>G (NM_001330093.2); c.3718+6C>G (NM_001330086.2, NM_004801.6); c.3838+6C>G (NM_001135659.3); c.613+6C>G (NM_001330097.2, NM_138735.5, NM_001330091.2 and 1 more transcripts); c.3706+6C>G (NM_001330094.2); and 3 more.
Identifiers: ClinVar variation 2741329 (VCV002741329.3), dbSNP rs758318501, ClinGen allele CA1654387.

ClinVar aggregate classification (germline): Uncertain significance (1 of 4 stars; one submission).

Conditions:
Pitt-Hopkins-like syndrome 2 (PTHSL2). Identifiers: Orphanet 221150, Orphanet 600663, MedGen C3280479, MONDO:0013690, OMIM 614325.

Allele frequency attached by ClinVar (database versions not stated): gnomAD exomes below 0.00001; ExAC 0.00001.
gnomAD v4.1: 5 of 1,614,012 alleles (0.00031%); highest among the groups gnomAD compares: Admixed American, 0.005%; no homozygotes.

Submission:

Labcorp Genetics (formerly Invitae), Labcorp
Classification: Uncertain significance for Pitt-Hopkins-like syndrome 2. Last evaluated: 2023-10-12. Review status: criteria provided, single submitter. Criteria: Invitae Variant Classification Sherloc (09022015). Collection method: clinical testing. Allele origin: germline.
Comment: This sequence change falls in intron 20 of the NRXN1 gene. It does not directly change the encoded amino acid sequence of the NRXN1 protein. It affects a nucleotide within the consensus splice site. This variant is present in population databases (rs758318501, gnomAD 0.003%). This variant has not been reported in the literature in individuals affected with NRXN1-related conditions. Variants that disrupt the consensus splice site are a relatively common cause of aberrant splicing (PMID: 17576681, 9536098). Algorithms developed to predict the effect of sequence changes on RNA splicing suggest that this variant is not likely to affect RNA splicing. In summary, the available evidence is currently insufficient to determine the role of this variant in disease. Therefore, it has been classified as a Variant of Uncertain Significance.

Literature cited by the submitters: PubMed 17576681; PubMed 9536098.